The following is an entry in ClinVar:

ClinVar aggregate classification (germline): Uncertain significance. Review status: criteria provided, multiple submitters, no conflicts (2 of 4 stars). 3 submissions from 3 submitters: Uncertain significance (3). Last evaluated 2026-10-16.

Conditions:
Seizures, benign familial infantile, 3 (BFIS3). Also called: CONVULSIONS, BENIGN FAMILIAL INFANTILE, 3; Familial neonatal seizures. Identifiers: Orphanet 140927, Orphanet 306, MedGen C1843140, MONDO:0011904, OMIM 607745.
Developmental and epileptic encephalopathy, 11 (DEE11). Also called: Early infantile epileptic encephalopathy 11. Identifiers: Orphanet 1934, MedGen C3150987, MONDO:0013388, OMIM 613721.

Allele frequency attached by ClinVar (database versions not stated): gnomAD 0.00001; TOPMed 0.00001.
gnomAD v4.1: 6 of 1,614,086 alleles (0.00037%); highest among the groups gnomAD compares: East Asian, 0.0045%; no homozygotes.

Submissions (3):

GeneDx
Classification: Uncertain significance. Last evaluated: 2026-10-16. Review status: criteria provided, single submitter. Criteria: GeneDx Variant Classification Process June 2021. Collection method: clinical testing. Allele origin: germline.
Comment: Not observed at significant frequency in large population cohorts (gnomAD); In silico analysis suggests that this missense variant does not alter protein structure/function; This substitution is predicted to be in the cytoplasmic loop between the second and third homologous domains; Has not been previously published as pathogenic or benign to our knowledge

Victorian Clinical Genetics Services, Murdoch Childrens Research Institute
Classification: Uncertain significance for Developmental and epileptic encephalopathy, 11. Last evaluated: 2024-09-20. Review status: criteria provided, single submitter. Criteria: ACMG Guidelines, 2015. Collection method: clinical testing. Allele origin: germline. Inheritance: Autosomal dominant inheritance. Affected: yes.
Comment: Based on the classification scheme VCGS_Germline_v1.3.4, this variant is classified as VUS-3A. Following criteria are met: 0103 - Loss of function and gain of function are known mechanisms of disease in this gene. Variants causing a gain of function result in developmental and epileptic encephalopathy 11 (MIM#613721) or benign familial infantile seizures 3 (MIM#607745), whereas variants causing loss of function result in autism spectrum disorder and/or intellectual disability, with or without childhood-onset seizures (OMIM, PMID:29691040, PMID:31904126). 0107 - This gene is associated with autosomal dominant disease. (I) 0200 - Variant is predicted to result in a missense amino acid change from asparagine to serine. (I) 0251 - This variant is heterozygous. (I) 0302 - Variant is present in gnomAD <0.001 for a dominant condition (v2 & v3: 2 heterozygotes, 0 homozygotes). (SP) 0309 - An alternative amino acid change at the same position has been observed in gnomAD (v2: 1 heterozygote, 0 homozygotes). (I) 0502 - Missense variant with conflicting in silico predictions and uninformative conservation. (I) 0600 - Variant is located in the annotated domain III (PMID:31924505). (I) 0710 - Another missense variant comparable to the one identified in this case has inconclusive previous evidence for pathogenicity. The variant p.(Asn1208Thr) has been reported as a VUS in ClinVar. (I) 0809 - Previous evidence of pathogenicity for this variant is inconclusive. This variant has been reported as a VUS in ClinVar. (I) 0905 - No published segregation evidence has been identified for this variant. (I) 1007 - No published functional evidence has been identified for this variant. (I) 1208 - Inheritance information for this variant is not currently available in this individual. (I) Legend: (SP) - Supporting pathogenic, (I) - Information, (SB) - Supporting benign

Labcorp Genetics (formerly Invitae), Labcorp
Classification: Uncertain significance for Seizures, benign familial infantile, 3; Developmental and epileptic encephalopathy, 11. Last evaluated: 2021-09-01. Review status: criteria provided, single submitter. Criteria: Invitae Variant Classification Sherloc (09022015). Collection method: clinical testing. Allele origin: germline.
Comment: This sequence change replaces asparagine with serine at codon 1208 of the SCN2A protein (p.Asn1208Ser). The asparagine residue is highly conserved and there is a small physicochemical difference between asparagine and serine. This variant is present in population databases (rs781032326, ExAC 0.01%). This variant has not been reported in the literature in individuals affected with SCN2A-related conditions. Algorithms developed to predict the effect of missense changes on protein structure and function are either unavailable or do not agree on the potential impact of this missense change (SIFT: "Tolerated"; PolyPhen-2: "Possibly Damaging"; Align-GVGD: "Class C0"). In summary, the available evidence is currently insufficient to determine the role of this variant in disease. Therefore, it has been classified as a Variant of Uncertain Significance.

Literature cited by the submitters: PubMed 29691040 (cited by Victorian Clinical Genetics Services, Murdoch Childrens Research Institute); PubMed 31904126 (cited by Victorian Clinical Genetics Services, Murdoch Childrens Research Institute); PubMed 31924505 (cited by Victorian Clinical Genetics Services, Murdoch Childrens Research Institute).

NM_001040142.2(SCN2A):c.3623A>G (p.Asn1208Ser)

Gene: SCN2A (sodium voltage-gated channel alpha subunit 2; plus strand). Cytogenetic location: 2q24.3.
Variant type: single nucleotide variant.
Coding change: c.3623A>G on transcript NM_001040142.2 (MANE Select); coding-DNA position 3623, A replaced by G.
Protein change: p.Asn1208Ser; replaces asparagine 1208 with serine.
Molecular consequence: missense variant.
Genome position (GRCh38, 1-based): chr2:165,367,319, A>G. VCF-style: chr2-165367319-A-G. GRCh37 (hg19) VCF-style: chr2-166223829-A-G.
Other names: c.3623A>G, p.Asn1208Ser (NM_001040143.2, NM_001371246.1, NM_001371247.1 and 1 more transcripts); c.3623A>G (NM_001040142.1); short protein forms N1208S.
Identifiers: ClinVar variation 858107 (VCV000858107.16), dbSNP rs781032326, ClinGen allele CA1940142.